The following is an entry in ClinVar:

ClinVar aggregate classification (germline): Uncertain significance (1 of 4 stars; one submission).

Conditions:
Ullrich congenital muscular dystrophy 2 (UCMD2). Identifiers: Orphanet 75840, MedGen C4225314, MONDO:0014654, OMIM 616470.
Bethlem myopathy 2 (BTHLM2). Identifiers: Orphanet 536516, Orphanet 610, MedGen C4225313, MONDO:0034022, OMIM 616471.

Submission:

Labcorp Genetics (formerly Invitae), Labcorp
Classification: Uncertain significance for Bethlem myopathy 2; Ullrich congenital muscular dystrophy 2. Last evaluated: 2023-12-20. Review status: criteria provided, single submitter. Criteria: Invitae Variant Classification Sherloc (09022015). Collection method: clinical testing. Allele origin: germline.
Comment: This sequence change replaces alanine, which is neutral and non-polar, with threonine, which is neutral and polar, at codon 2406 of the COL12A1 protein (p.Ala2406Thr). This variant is not present in population databases (gnomAD no frequency). This variant has not been reported in the literature in individuals affected with COL12A1-related conditions. Advanced modeling of protein sequence and biophysical properties (such as structural, functional, and spatial information, amino acid conservation, physicochemical variation, residue mobility, and thermodynamic stability) has been performed at Invitae for this missense variant, however the output from this modeling did not meet the statistical confidence thresholds required to predict the impact of this variant on COL12A1 protein function. In summary, the available evidence is currently insufficient to determine the role of this variant in disease. Therefore, it has been classified as a Variant of Uncertain Significance.

NM_004370.6(COL12A1):c.7216G>A (p.Ala2406Thr)

Genes: COL12A1 (collagen type XII alpha 1 chain; minus strand), LOC126859712 (MED14-independent group 3 enhancer GRCh37_chr6:75828643-75829842; plus strand). Cytogenetic location: 6q13.
Variant type: single nucleotide variant.
Coding change: c.7216G>A on transcript NM_004370.6 (MANE Select); coding-DNA position 7216, G replaced by A.
Protein change: p.Ala2406Thr; replaces alanine 2406 with threonine.
Molecular consequence: missense variant.
Genome position (GRCh38, 1-based): chr6:75,119,181, C>T on the plus strand (G>A on the coding strand, the complement: COL12A1 is on the minus strand). VCF-style: chr6-75119181-C-T. GRCh37 (hg19) VCF-style: chr6-75828897-C-T.
Other names: c.7216G>A, p.Ala2406Thr (NM_001424113.1); c.7195G>A, p.Ala2399Thr (NM_001424114.1); c.6943G>A, p.Ala2315Thr (NM_001424115.1); c.3724G>A, p.Ala1242Thr (NM_001424116.1, NM_080645.3); short protein forms A2399T, A2315T, A2406T, A1242T.
Identifiers: ClinVar variation 2938681 (VCV002938681.3), dbSNP rs2533200434, ClinGen allele CA364748196.